The following is an entry in ClinVar:

NM_006767.4(LZTR1):c.318C>G (p.Cys106Trp)

Gene: LZTR1 (leucine zipper like post translational regulator 1; plus strand). Cytogenetic location: 22q11.21.
Variant type: single nucleotide variant.
Coding change: c.318C>G on transcript NM_006767.4 (MANE Select); coding-DNA position 318, C replaced by G.
Protein change: p.Cys106Trp; replaces cysteine 106 with tryptophan.
Molecular consequence: missense variant.
Genome position (GRCh38, 1-based): chr22:20,985,895, C>G. VCF-style: chr22-20985895-C-G. GRCh37 (hg19) VCF-style: chr22-21340184-C-G.
Other names: short protein forms C106W.
Identifiers: ClinVar variation 3677754 (VCV003677754.2).

ClinVar aggregate classification (germline): Uncertain significance (1 of 4 stars; one submission).

Submission:

Labcorp Genetics (formerly Invitae), Labcorp
Classification: Uncertain significance. Last evaluated: 2024-10-28. Review status: criteria provided, single submitter. Criteria: Invitae Variant Classification Sherloc (09022015). Collection method: clinical testing. Allele origin: germline.
Comment: This sequence change replaces cysteine, which is neutral and slightly polar, with tryptophan, which is neutral and slightly polar, at codon 106 of the LZTR1 protein (p.Cys106Trp). This variant is not present in population databases (gnomAD no frequency). This variant has not been reported in the literature in individuals affected with LZTR1-related conditions. An algorithm developed to predict the effect of missense changes on protein structure and function (PolyPhen-2) suggests that this variant is likely to be disruptive. In summary, the available evidence is currently insufficient to determine the role of this variant in disease. Therefore, it has been classified as a Variant of Uncertain Significance.